The following is an entry in ClinVar:

ClinVar aggregate classification (germline): Likely benign. Review status: criteria provided, single submitter (1 of 4 stars). 2 submissions from 2 submitters: Likely benign (1). 1 of the submissions does not count toward it. Last evaluated 2021-07-18.

Conditions:
NPHP4-related disorder. Also called: NPHP4-related condition; NPHP4-related disorders. Identifiers: MedGen CN239384.
Nephronophthisis. Also called: Juvenile Nephronophthisis. Identifiers: Orphanet 655, MedGen C0687120, MONDO:0019005, HP:0000090.

gnomAD v4.1: 2 of 1,612,274 alleles (0.00012%); highest among the groups gnomAD compares: Non-Finnish European, 0.00017%; no homozygotes.

Submissions (2):

Labcorp Genetics (formerly Invitae), Labcorp
Classification: Likely benign for Nephronophthisis. Last evaluated: 2021-07-18. Review status: criteria provided, single submitter. Criteria: Invitae Variant Classification Sherloc (09022015). Collection method: clinical testing. Allele origin: germline.

PreventionGenetics, part of Exact Sciences
Classification: Likely benign for NPHP4-related condition. Last evaluated: 2022-04-26. Review status: no assertion criteria provided. Collection method: clinical testing. Allele origin: germline. Not counted in ClinVar's aggregate classification.
Comment: This variant is classified as likely benign based on ACMG/AMP sequence variant interpretation guidelines (Richards et al. 2015 PMID: 25741868, with internal and published modifications).

NM_015102.5(NPHP4):c.1821C>G (p.Pro607=)

Gene: NPHP4 (nephrocystin 4; minus strand). Cytogenetic location: 1p36.31.
Variant type: single nucleotide variant.
Coding change: c.1821C>G on transcript NM_015102.5 (MANE Select); coding-DNA position 1821, C replaced by G.
Protein change: p.Pro607=; no amino-acid change (proline 607 retained).
Molecular consequence: synonymous variant. On other transcripts: non-coding transcript variant (1).
Genome position (GRCh38, 1-based): chr1:5,905,426, G>C on the plus strand (C>G on the coding strand, the complement: NPHP4 is on the minus strand). VCF-style: chr1-5905426-G-C. GRCh37 (hg19) VCF-style: chr1-5965486-G-C.
Other names: c.282C>G, p.Pro94= (NM_001291593.2); c.285C>G, p.Pro95= (NM_001291594.2); c.1821C>G (NM_015102.4).
Identifiers: ClinVar variation 1572629 (VCV001572629.10), dbSNP rs749297150, ClinGen allele CA416017322.